The following is an entry in ClinVar:

NM_005529.7(HSPG2):c.2792G>A (p.Arg931His)

Gene: HSPG2 (heparan sulfate proteoglycan 2; minus strand). Cytogenetic location: 1p36.12.
Variant type: single nucleotide variant.
Coding change: c.2792G>A on transcript NM_005529.7 (MANE Select); coding-DNA position 2792, G replaced by A.
Protein change: p.Arg931His; replaces arginine 931 with histidine.
Molecular consequence: missense variant.
Genome position (GRCh38, 1-based): chr1:21,876,546, C>T on the plus strand (G>A on the coding strand, the complement: HSPG2 is on the minus strand). VCF-style: chr1-21876546-C-T. GRCh37 (hg19) VCF-style: chr1-22203039-C-T.
Other names: c.2795G>A, p.Arg932His (NM_001291860.2); short protein forms R931H, R932H.
Identifiers: ClinVar variation 295874 (VCV000295874.7), dbSNP rs372407090, ClinGen allele CA672874.

ClinVar aggregate classification (germline): Uncertain significance. Review status: criteria provided, multiple submitters, no conflicts (2 of 4 stars). 3 submissions from 2 submitters: Uncertain significance (3). Last evaluated 2025-06-30.

Conditions:
Schwartz-Jampel syndrome. Also called: Myotonic myopathy dwarfism chondrodystrophy and ocular and facial abnormalities. Identifiers: Orphanet 800, MedGen C0036391, MONDO:0009717.
Lethal Kniest-like syndrome (DDSH). Also called: Dyssegmental Dysplasia. Identifiers: Orphanet 1865, MedGen C1857100, MONDO:0009140, OMIM 224410.

Allele frequency attached by ClinVar (database versions not stated): ExAC 0.00003; gnomAD exomes 0.00004; ESP Exome Variant Server 0.00008; TOPMed 0.00008; gnomAD 0.00009 and 0.00010.
gnomAD v4.1: 66 of 1,614,068 alleles (0.0041%); highest among the groups gnomAD compares: Admixed American, 0.0083%; no homozygotes.

Submissions (3):

GeneDx
Classification: Uncertain significance. Last evaluated: 2025-06-30. Review status: criteria provided, single submitter. Criteria: GeneDx Variant Classification Process June 2021. Collection method: clinical testing. Allele origin: germline.
Comment: In silico analysis suggests that this missense variant does not alter protein structure/function; Has not been previously published as pathogenic or benign to our knowledge

Illumina Laboratory Services, Illumina
Classification: Uncertain significance for Lethal Kniest-like syndrome. Last evaluated: 2018-01-13. Review status: criteria provided, single submitter. Criteria: ICSL Variant Classification Criteria 13 December 2019. Collection method: clinical testing. Allele origin: germline.

Illumina Laboratory Services, Illumina
Classification: Uncertain significance for Schwartz-Jampel syndrome type 1. Last evaluated: 2018-01-13. Review status: criteria provided, single submitter. Criteria: ICSL Variant Classification Criteria 13 December 2019. Collection method: clinical testing. Allele origin: germline.